The following is an entry in ClinVar:

NM_016239.4(MYO15A):c.9948+1G>A

Gene: MYO15A (myosin XVA; plus strand). Cytogenetic location: 17p11.2.
Variant type: single nucleotide variant.
Coding change: c.9948+1G>A on transcript NM_016239.4 (MANE Select); the canonical splice donor site of the intron after coding-DNA position 9948, G replaced by A.
Molecular consequence: splice donor variant.
Genome position (GRCh38, 1-based): chr17:18,166,522, G>A. VCF-style: chr17-18166522-G-A. GRCh37 (hg19) VCF-style: chr17-18069836-G-A.
Identifiers: ClinVar variation 2707800 (VCV002707800.3), dbSNP rs2545325387, ClinGen allele CA398642452.
Genomic context (GRCh38, chr17:18,166,522, plus strand): 5'-CTCTGGGATCAGCCACTCAAGTTCGAGAATGAGCTATATGTGACCATGCACTACAACCAG[G>A]TCAGCACACGTAGGCTTCTCTGGACTCTGGGACCTTCTAGGCTCCCCTGGGCCTGTGAAT-3'

ClinVar aggregate classification (germline): Likely pathogenic (1 of 4 stars; one submission).

Submission:

Labcorp Genetics (formerly Invitae), Labcorp
Classification: Likely pathogenic. Last evaluated: 2024-01-05. Review status: criteria provided, single submitter. Criteria: Invitae Variant Classification Sherloc (09022015). Collection method: clinical testing. Allele origin: germline.
Comment: This sequence change affects a donor splice site in intron 61 of the MYO15A gene. It is expected to disrupt RNA splicing. Variants that disrupt the donor or acceptor splice site typically lead to a loss of protein function (PMID: 16199547), and loss-of-function variants in MYO15A are known to be pathogenic (PMID: 17546645). This variant is not present in population databases (gnomAD no frequency). This variant has not been reported in the literature in individuals affected with MYO15A-related conditions. Algorithms developed to predict the effect of sequence changes on RNA splicing suggest that this variant may disrupt the consensus splice site. In summary, the currently available evidence indicates that the variant is pathogenic, but additional data are needed to prove that conclusively. Therefore, this variant has been classified as Likely Pathogenic.

Literature cited by the submitters: PubMed 16199547; PubMed 17546645.